The following is an entry in ClinVar:

ClinVar aggregate classification (germline): Uncertain significance. Review status: criteria provided, multiple submitters, no conflicts (2 of 4 stars). 3 submissions from 3 submitters: Uncertain significance (3). Last evaluated 2025-11-22.

Conditions:
Baller-Gerold syndrome (BGS). Also called: CRANIOSYNOSTOSIS WITH RADIAL DEFECTS. Identifiers: Orphanet 1225, MedGen C0265308, MONDO:0009039, OMIM 218600.

Allele frequency attached by ClinVar (database versions not stated): TOPMed 0.00004; ExAC 0.00005; gnomAD exomes 0.00006; 1000 Genomes Project 0.00040; 1000 Genomes Project 30x 0.00047.

Submissions (3):

Labcorp Genetics (formerly Invitae), Labcorp
Classification: Uncertain significance for Baller-Gerold syndrome. Last evaluated: 2025-11-22. Review status: criteria provided, single submitter. Criteria: Invitae Variant Classification Sherloc (09022015). Collection method: clinical testing. Allele origin: germline.
Comment: This sequence change replaces arginine, which is basic and polar, with histidine, which is basic and polar, at codon 1022 of the RECQL4 protein (p.Arg1022His). This variant is present in population databases (rs560476442, gnomAD 0.04%). This variant has not been reported in the literature in individuals affected with RECQL4-related conditions. ClinVar contains an entry for this variant (Variation ID: 657017). Invitae Evidence Modeling of protein sequence and biophysical properties (such as structural, functional, and spatial information, amino acid conservation, physicochemical variation, residue mobility, and thermodynamic stability) indicates that this missense variant is not expected to disrupt RECQL4 protein function with a negative predictive value of 80%. In summary, the available evidence is currently insufficient to determine the role of this variant in disease. Therefore, it has been classified as a Variant of Uncertain Significance.

Blueprint Genetics
Classification: Uncertain significance. Last evaluated: 2024-10-08. Review status: criteria provided, single submitter. Criteria: ACMG Guidelines, 2015. Collection method: clinical testing. Allele origin: germline.

Breakthrough Genomics
Classification: Uncertain significance. Review status: criteria provided, single submitter. Criteria: ACMG Guidelines, 2015. Collection method: not provided. Allele origin: germline. Inheritance: Autosomal recessive inheritance. Affected: yes.

NM_004260.4(RECQL4):c.3065G>A (p.Arg1022His)

Gene: RECQL4 (RecQ like helicase 4; minus strand). Cytogenetic location: 8q24.3.
Variant type: single nucleotide variant.
Coding change: c.3065G>A on transcript NM_004260.4 (MANE Select); coding-DNA position 3065, G replaced by A.
Protein change: p.Arg1022His; replaces arginine 1022 with histidine.
Molecular consequence: missense variant.
Genome position (GRCh38, 1-based): chr8:144,512,315, C>T on the plus strand (G>A on the coding strand, the complement: RECQL4 is on the minus strand). VCF-style: chr8-144512315-C-T. GRCh37 (hg19) VCF-style: chr8-145737698-C-T.
Other names: short protein forms R1022H.
Identifiers: ClinVar variation 657017 (VCV000657017.10), dbSNP rs560476442, ClinGen allele CA4947938.
Genomic context (GRCh38, chr8:144,512,315, plus strand): 5'-TCCCCCGGGCTGCGAAGGTGGAAGGCCAGCTCACTGAACTCCACAAGCACCCCTGTCCCA[C>T]GCCGCACACCTGCCGGAAAGCATGTCAGATGCAGGCAGGCAGCGTCCAGGGCGGTGTGGG-3'
Protein context (NP_004251.4, residues 1012-1032): WDHEPRTGVR[Arg1022His]GTGVLVEFSE